The following is an entry in ClinVar:

NM_183050.4(BCKDHB):c.29_32del (p.Trp10fs)

Gene: BCKDHB (branched chain keto acid dehydrogenase E1 subunit beta; plus strand). Cytogenetic location: 6q14.1.
Variant type: Microsatellite.
Coding change: c.29_32del on transcript NM_183050.4 (MANE Select); coding-DNA positions 29 to 32, 4 bases deleted (GGCT; older notation c.29_32delGGCT).
Protein change: p.Trp10fs; shifts the reading frame from tryptophan 10.
Molecular consequence: frameshift variant. On other transcripts: non-coding transcript variant (1), intron variant (1).
Genome position (GRCh38, 1-based): chr6:80,106,722-80,106,725, GGCT deleted; deleting any 4 consecutive bases within chr6:80,106,718-80,106,725 gives the same sequence; the c. name uses the placement nearest the transcript's 3' end. VCF-style (leftmost placement, unchanged base first): chr6-80106717-CGGCT-C. GRCh37 (hg19) VCF-style: chr6-80816434-CGGCT-C.
Other names: c.29_32del, p.Trp10fs (NM_000056.5); c.-15+39_-15+42del (NM_001318975.1); short protein forms W10fs.
Identifiers: ClinVar variation 2018920 (VCV002018920.6), dbSNP rs2533310413, ClinGen allele CA2580617301.

ClinVar aggregate classification (germline): Pathogenic. Review status: criteria provided, multiple submitters, no conflicts (2 of 4 stars). 2 submissions from 2 submitters: Pathogenic (2). Last evaluated 2022-07-22.

Conditions:
Maple syrup urine disease type 1B (MSUD1B). Also called: MSUD type IB; MSUD type 3 (formerly); MSUD due to deficiency of e1-beta subunit of branched-chain alpha-keto acid dehydrogenase complex. Identifiers: MedGen C2930990, MONDO:0023692, OMIM 620698.
Maple syrup urine disease (MSUD). Identifiers: Orphanet 511, MedGen C0024776, MeSH D008375, MONDO:0009563. Disease mechanism: loss of function.

Submissions (2):

Labcorp Genetics (formerly Invitae), Labcorp
Classification: Pathogenic for Maple syrup urine disease. Last evaluated: 2022-07-22. Review status: criteria provided, single submitter. Criteria: Invitae Variant Classification Sherloc (09022015). Collection method: clinical testing. Allele origin: germline.
Comment: For these reasons, this variant has been classified as Pathogenic. This variant has not been reported in the literature in individuals affected with BCKDHB-related conditions. This variant is not present in population databases (gnomAD no frequency). This sequence change creates a premature translational stop signal (p.Trp10Tyrfs*61) in the BCKDHB gene. It is expected to result in an absent or disrupted protein product. Loss-of-function variants in BCKDHB are known to be pathogenic (PMID: 16786533, 22593002).

Juno Genomics, Hangzhou Juno Genomics, Inc
Classification: Pathogenic for Maple syrup urine disease type 1B. Review status: criteria provided, single submitter. Criteria: ACMG Guidelines, 2015. Collection method: clinical testing. Allele origin: germline.
Comment: Absent from controls (or at extremely low frequency if recessive) in Genome Aggregation Database.;Null variant in a gene where loss of function (LOF) is a known mechanism of disease.;For recessive disorders, detected in trans with a pathogenic variant.;Patient's phenotype or family history is highly specific for a disease with a single genetic etiology.

Literature cited by the submitters: PubMed 16786533 (cited by Labcorp Genetics (formerly Invitae), Labcorp); PubMed 22593002 (cited by Labcorp Genetics (formerly Invitae), Labcorp).